The following is an entry in ClinVar:

ClinVar aggregate classification (germline): Uncertain significance (1 of 4 stars; one submission).

Conditions:
Inborn genetic diseases. Identifiers: MedGen C0950123, MeSH D030342.

Submission:

Ambry Genetics
Classification: Uncertain significance for Inborn genetic diseases. Last evaluated: 2026-05-15. Review status: criteria provided, single submitter. Criteria: Ambry Variant Classification Scheme 2023. Collection method: clinical testing. Allele origin: germline.
Comment: The p.H354R variant (also known as c.1061A>G), located in coding exon 10 of the AKT1 gene, results from an A to G substitution at nucleotide position 1061. The histidine at codon 354 is replaced by arginine, an amino acid with highly similar properties. This amino acid position is conserved. In addition, the in silico prediction for this alteration is inconclusive. Based on the available evidence, the clinical significance of this variant remains unclear.

NM_001382430.1(AKT1):c.1061A>G (p.His354Arg)

Gene: AKT1 (AKT serine/threonine kinase 1; minus strand). Cytogenetic location: 14q32.33.
Variant type: single nucleotide variant.
Coding change: c.1061A>G on transcript NM_001382430.1 (MANE Select); coding-DNA position 1061, A replaced by G.
Protein change: p.His354Arg; replaces histidine 354 with arginine.
Molecular consequence: missense variant.
Genome position (GRCh38, 1-based): chr14:104,772,989, T>C on the plus strand (A>G on the coding strand, the complement: AKT1 is on the minus strand). VCF-style: chr14-104772989-T-C. GRCh37 (hg19) VCF-style: chr14-105239326-T-C.
Other names: c.1061A>G, p.His354Arg (NM_001014431.2, NM_001014432.2, NM_001382431.1 and 3 more transcripts); short protein forms H354R.
Identifiers: ClinVar variation 4869252 (VCV004869252.1).